The following is an entry in ClinVar:

NM_016069.11(PAM16):c.3+3G>A

Genes: CORO7-PAM16 (CORO7-PAM16 readthrough; minus strand), PAM16 (presequence translocase associated motor 16; minus strand). Cytogenetic location: 16p13.3.
Variant type: single nucleotide variant.
Coding change: c.3+3G>A on transcript NM_016069.11 (MANE Select); 3 bases into the intron after coding-DNA position 3, G replaced by A.
Molecular consequence: intron variant.
Genome position (GRCh38, 1-based): chr16:4,351,229, C>T on the plus strand (G>A on the coding strand, the complement: PAM16 is on the minus strand). VCF-style: chr16-4351229-C-T. GRCh37 (hg19) VCF-style: chr16-4401230-C-T.
Other names: c.2772+4057G>A (NM_001201479.2).
Identifiers: ClinVar variation 2109454 (VCV002109454.4), dbSNP rs757973630, ClinGen allele CA720904925.
Genomic context (GRCh38, chr16:4,351,229, plus strand): 5'-CGGCCCCCGGCCCCCGGCCCGACTCGGCTTCCCCTCCCCGGTAGCGCCCGACTCGGGGCT[C>T]ACCATGGCAGCCGCTCTGCCTCCGGGGCTCAAACTCCGACTTCCTGGCCCCGCGGCCGGG-3'

ClinVar aggregate classification (germline): Uncertain significance (1 of 4 stars; one submission).

gnomAD v4.1: 3 of 1,455,782 alleles (0.00021%); highest among the groups gnomAD compares: African/African-American, 0.0014%; no homozygotes.

Submission:

Labcorp Genetics (formerly Invitae), Labcorp
Classification: Uncertain significance. Last evaluated: 2022-03-11. Review status: criteria provided, single submitter. Criteria: Invitae Variant Classification Sherloc (09022015). Collection method: clinical testing. Allele origin: germline.
Comment: In summary, the available evidence is currently insufficient to determine the role of this variant in disease. Therefore, it has been classified as a Variant of Uncertain Significance. Variants that disrupt the consensus splice site are a relatively common cause of aberrant splicing (PMID: 17576681, 9536098). Algorithms developed to predict the effect of sequence changes on RNA splicing suggest that this variant is not likely to affect RNA splicing. This variant has not been reported in the literature in individuals affected with PAM16-related conditions. This variant is not present in population databases (gnomAD no frequency). This sequence change falls in intron 1 of the PAM16 gene. It does not directly change the encoded amino acid sequence of the PAM16 protein. It affects a nucleotide within the consensus splice site.

Literature cited by the submitters: PubMed 17576681; PubMed 9536098.